The following is an entry in ClinVar:

ClinVar aggregate classification (germline): Benign. Review status: criteria provided, multiple submitters, no conflicts (2 of 4 stars). 2 submissions from 2 submitters: Benign (2). Last evaluated 2018-06-14.

Allele frequency attached by ClinVar (database versions not stated): 1000 Genomes Project 0.31589; 1000 Genomes Project 30x 0.32339; TOPMed 0.37698; gnomAD 0.38558 and 0.38799; gnomAD exomes 0.39594.
gnomAD v4.1: 259,674 of 659,640 alleles (39%); highest among the groups gnomAD compares: Middle Eastern, 51%; 53,929 homozygotes.

Submissions (2):

GeneDx
Classification: Benign. Last evaluated: 2018-06-14. Review status: criteria provided, single submitter. Criteria: GeneDx Variant Classification (06012015). Collection method: clinical testing. Allele origin: germline. Affected: yes.
Comment: This variant is considered likely benign or benign based on one or more of the following criteria: it is a conservative change, it occurs at a poorly conserved position in the protein, it is predicted to be benign by multiple in silico algorithms, and/or has population frequency not consistent with disease.

Breakthrough Genomics
Classification: Benign. Review status: criteria provided, single submitter. Criteria: ACMG Guidelines, 2015. Collection method: not provided. Allele origin: germline. Inheritance: Autosomal recessive inheritance. Affected: yes.

NM_004046.6(ATP5F1A):c.1176+188G>A

Gene: ATP5F1A (ATP synthase F1 subunit alpha; minus strand). Cytogenetic location: 18q21.1.
Variant type: single nucleotide variant.
Coding change: c.1176+188G>A on transcript NM_004046.6 (MANE Select); 188 bases into the intron after coding-DNA position 1176, G replaced by A.
Molecular consequence: intron variant.
Genome position (GRCh38, 1-based): chr18:46,086,820, C>T on the plus strand (G>A on the coding strand, the complement: ATP5F1A is on the minus strand). VCF-style: chr18-46086820-C-T. GRCh37 (hg19) VCF-style: chr18-43666786-C-T.
Other names: c.1176+188G>A (NM_001001937.2); c.1110+188G>A (NM_001257334.2); c.1026+188G>A (NM_001001935.3, NM_001257335.2).
Identifiers: ClinVar variation 683333 (VCV000683333.2), dbSNP rs8093880, ClinGen allele CA14595211.
Genomic context (GRCh38, chr18:46,086,820, plus strand): 5'-TCTAGAAGGGAGAACAGTAGTGGTTAAAAATGAAACTAGAACGAAACATGCTACTCTATG[C>T]AATAACTGGGTGACAGATACATGGGGTTTCACTATGCCATTCTCCTAACTTTTCTATGTA-3'